The following is an entry in ClinVar:

ClinVar aggregate classification (germline): Uncertain significance. Review status: criteria provided, multiple submitters, no conflicts (2 of 4 stars). 2 submissions from 2 submitters: Uncertain significance (2). Last evaluated 2024-12-19.

Conditions:
Landau-Kleffner syndrome (FESD). Also called: EPILEPSY, FOCAL, WITH SPEECH DISORDER AND WITH OR WITHOUT MENTAL RETARDATION; APHASIA, ACQUIRED, WITH EPILEPSY. Identifiers: Orphanet 1945, Orphanet 725, Orphanet 98818, MedGen C0282512, MONDO:0009509, OMIM 245570.

Submissions (2):

Labcorp Genetics (formerly Invitae), Labcorp
Classification: Uncertain significance for Landau-Kleffner syndrome. Last evaluated: 2024-12-19. Review status: criteria provided, single submitter. Criteria: Invitae Variant Classification Sherloc (09022015). Collection method: clinical testing. Allele origin: germline.
Comment: This sequence change replaces histidine, which is basic and polar, with leucine, which is neutral and non-polar, at codon 839 of the GRIN2A protein (p.His839Leu). This variant is not present in population databases (gnomAD no frequency). This variant has not been reported in the literature in individuals affected with GRIN2A-related conditions. ClinVar contains an entry for this variant (Variation ID: 620019). Invitae Evidence Modeling of protein sequence and biophysical properties (such as structural, functional, and spatial information, amino acid conservation, physicochemical variation, residue mobility, and thermodynamic stability) indicates that this missense variant is expected to disrupt GRIN2A protein function with a positive predictive value of 95%. In summary, the available evidence is currently insufficient to determine the role of this variant in disease. Therefore, it has been classified as a Variant of Uncertain Significance.

Cytogénomique, Hospices Civils de Lyon
Classification: Uncertain significance for Landau-Kleffner syndrome. Last evaluated: 2017-02-13. Review status: criteria provided, single submitter. Criteria: ACMG Guidelines, 2015. Collection method: clinical testing. Allele origin: maternal. Inheritance: Autosomal dominant inheritance. Affected: yes.

NM_001134407.3(GRIN2A):c.2516A>T (p.His839Leu)

Gene: GRIN2A (glutamate ionotropic receptor NMDA type subunit 2A; minus strand). Cytogenetic location: 16p13.2.
Variant type: single nucleotide variant.
Coding change: c.2516A>T on transcript NM_001134407.3 (MANE Select); coding-DNA position 2516, A replaced by T.
Protein change: p.His839Leu; replaces histidine 839 with leucine.
Molecular consequence: missense variant.
Genome position (GRCh38, 1-based): chr16:9,768,930, T>A on the plus strand (A>T on the coding strand, the complement: GRIN2A is on the minus strand). VCF-style: chr16-9768930-T-A. GRCh37 (hg19) VCF-style: chr16-9862787-T-A.
Other names: c.2516A>T, p.His839Leu (NM_000833.5, NM_001134408.2); short protein forms H839L.
Identifiers: ClinVar variation 620019 (VCV000620019.10), dbSNP rs1567282523, ClinGen allele CA394709964.